The following is an entry in ClinVar:

ClinVar aggregate classification (germline): Uncertain significance (1 of 4 stars; one submission).

Allele frequency attached by ClinVar (database versions not stated): gnomAD 0.00001; TOPMed 0.00003; gnomAD exomes 0.00002; ExAC 0.00003.
gnomAD v4.1: 33 of 1,500,462 alleles (0.0022%); highest among the groups gnomAD compares: Middle Eastern, 0.041%; no homozygotes.

Submission:

Labcorp Genetics (formerly Invitae), Labcorp
Classification: Uncertain significance. Last evaluated: 2022-06-09. Review status: criteria provided, single submitter. Criteria: Invitae Variant Classification Sherloc (09022015). Collection method: clinical testing. Allele origin: germline.
Comment: In summary, the available evidence is currently insufficient to determine the role of this variant in disease. Therefore, it has been classified as a Variant of Uncertain Significance. Algorithms developed to predict the effect of sequence changes on RNA splicing suggest that this variant is not likely to affect RNA splicing. This variant has not been reported in the literature in individuals affected with PLEKHG2-related conditions. The frequency data for this variant in the population databases is considered unreliable, as metrics indicate poor data quality at this position in the gnomAD database. This sequence change affects codon 361 of the PLEKHG2 mRNA. It is a 'silent' change, meaning that it does not change the encoded amino acid sequence of the PLEKHG2 protein. It affects a nucleotide within the consensus splice site.

NM_022835.3(PLEKHG2):c.1083C>T (p.Phe361=)

Gene: PLEKHG2 (pleckstrin homology and RhoGEF domain containing G2; plus strand). Cytogenetic location: 19q13.2.
Variant type: single nucleotide variant.
Coding change: c.1083C>T on transcript NM_022835.3 (MANE Select); coding-DNA position 1083, C replaced by T.
Protein change: p.Phe361=; no amino-acid change (phenylalanine 361 retained).
Molecular consequence: synonymous variant.
Genome position (GRCh38, 1-based): chr19:39,418,105, C>T. VCF-style: chr19-39418105-C-T. GRCh37 (hg19) VCF-style: chr19-39908745-C-T.
Other names: c.906C>T, p.Phe302= (NM_001351693.2); c.1083C>T, p.Phe361= (NM_001351694.2).
Identifiers: ClinVar variation 1914313 (VCV001914313.4), dbSNP rs561902803, ClinGen allele CA9429325.